The following is an entry in ClinVar:

ClinVar aggregate classification (germline): Uncertain significance (1 of 4 stars; one submission).

Conditions:
Hereditary cancer-predisposing syndrome. Also called: Neoplastic Syndromes, Hereditary; Tumor predisposition; Hereditary neoplastic syndrome; Hereditary Cancer Syndrome. Identifiers: Orphanet 140162, MedGen C0027672, MeSH D009386, MONDO:0015356.

Submission:

Ambry Genetics
Classification: Uncertain significance for Hereditary cancer-predisposing syndrome. Last evaluated: 2026-07-06. Review status: criteria provided, single submitter. Criteria: Ambry Variant Classification Scheme 2023. Collection method: clinical testing. Allele origin: germline.
Comment: The p.G276V variant (also known as c.827G>T), located in coding exon 3 of the PHOX2B gene, results from a G to T substitution at nucleotide position 827. The glycine at codon 276 is replaced by valine, an amino acid with dissimilar properties. This amino acid position is conserved. In addition, this alteration is predicted to be tolerated by in silico analysis. Based on the available evidence, the clinical significance of this variant remains unclear.

NM_003924.4(PHOX2B):c.827G>T (p.Gly276Val)

Gene: PHOX2B (paired like homeobox 2B; minus strand). Cytogenetic location: 4p13.
Variant type: single nucleotide variant.
Coding change: c.827G>T on transcript NM_003924.4 (MANE Select); coding-DNA position 827, G replaced by T.
Protein change: p.Gly276Val; replaces glycine 276 with valine.
Molecular consequence: missense variant.
Genome position (GRCh38, 1-based): chr4:41,745,925, C>A on the plus strand (G>T on the coding strand, the complement: PHOX2B is on the minus strand). VCF-style: chr4-41745925-C-A. GRCh37 (hg19) VCF-style: chr4-41747942-C-A.
Other names: short protein forms G276V.
Identifiers: ClinVar variation 5026550 (VCV005026550.1).